The following is an entry in ClinVar:

ClinVar aggregate classification (germline): Benign (1 of 4 stars; one submission).

Conditions:
Familial cancer of breast. Also called: BREAST CANCER, FAMILIAL; Hereditary breast cancer; hereditary breast carcinoma. Identifiers: Orphanet 227535, MedGen C0346153, MONDO:0016419, OMIM 114480. Disease mechanism: loss of function.

Submission:

Myriad Genetics, Inc.
Classification: Benign for Familial cancer of breast. Last evaluated: 2024-05-23. Review status: criteria provided, single submitter. Criteria: Myriad Autosomal Dominant, Autosomal Recessive and X-Linked Classification Criteria (2023). Collection method: clinical testing. Allele origin: unknown.
Comment: This variant is considered benign. This variant is a silent/synonymous amino acid change and it is not expected to impact splicing.

NM_000051.4(ATM):c.5430T>C (p.Thr1810=)

Gene: ATM (ATM serine/threonine kinase; plus strand). Cytogenetic location: 11q22.3.
Variant type: single nucleotide variant.
Coding change: c.5430T>C on transcript NM_000051.4 (MANE Select); coding-DNA position 5430, T replaced by C.
Protein change: p.Thr1810=; no amino-acid change (threonine 1810 retained).
Molecular consequence: synonymous variant.
Genome position (GRCh38, 1-based): chr11:108,302,963, T>C. VCF-style: chr11-108302963-T-C. GRCh37 (hg19) VCF-style: chr11-108173690-T-C.
Other names: c.5430T>C, p.Thr1810= (NM_001351834.2).
Identifiers: ClinVar variation 3253786 (VCV003253786.1), dbSNP rs1057522229.
Genomic context (GRCh38, chr11:108,302,963, plus strand): 5'-TGATATAAATCTGTGGATTCCTCTAAGTGAAAATCATGACATTTGGATAAAGACACTGAC[T>C]TGTGCTTTTTTGGACAGTGGAGGCACAAAATGTGAAATTCTTCAATTATTAAAGCCAATG-3'
Protein context (NP_000042.3, residues 1800-1820): ENHDIWIKTL[Thr1810=]CAFLDSGGTK